The following is an entry in ClinVar:

ClinVar aggregate classification (germline): Likely pathogenic (1 of 4 stars; one submission).

Submission:

GeneDx
Classification: Likely pathogenic. Last evaluated: 2022-11-18. Review status: criteria provided, single submitter. Criteria: GeneDx Variant Classification Process June 2021. Collection method: clinical testing. Allele origin: germline. Affected: yes.
Comment: Missense variants in this gene are often considered pathogenic (HGMD); In silico analysis supports that this missense variant has a deleterious effect on protein structure/function; Not observed at significant frequency in large population cohorts (gnomAD); This variant is associated with the following publications: (PMID: 35089622, 24077912)

NM_006306.4(SMC1A):c.41C>T (p.Ser14Leu)

Gene: SMC1A (structural maintenance of chromosomes 1A; minus strand). Cytogenetic location: Xp11.22.
Variant type: single nucleotide variant.
Coding change: c.41C>T on transcript NM_006306.4 (MANE Select); coding-DNA position 41, C replaced by T.
Protein change: p.Ser14Leu; replaces serine 14 with leucine.
Molecular consequence: missense variant. On other transcripts: 5 prime UTR variant (1).
Genome position (GRCh38, 1-based): chrX:53,422,560, G>A on the plus strand (C>T on the coding strand, the complement: SMC1A is on the minus strand). VCF-style: chrX-53422560-G-A. GRCh37 (hg19) VCF-style: chrX-53449509-G-A.
Other names: c.-172C>T (NM_001281463.1); short protein forms S14L.
Identifiers: ClinVar variation 2502758 (VCV002502758.1), dbSNP rs2521010433, ClinGen allele CA413135573.